The following is an entry in ClinVar:

NM_014225.6(PPP2R1A):c.29T>C (p.Leu10Pro)

Gene: PPP2R1A (protein phosphatase 2 scaffold subunit Aalpha; plus strand). Cytogenetic location: 19q13.41.
Variant type: single nucleotide variant.
Coding change: c.29T>C on transcript NM_014225.6 (MANE Select); coding-DNA position 29, T replaced by C.
Protein change: p.Leu10Pro; replaces leucine 10 with proline.
Molecular consequence: missense variant. On other transcripts: non-coding transcript variant (1).
Genome position (GRCh38, 1-based): chr19:52,190,125, T>C. VCF-style: chr19-52190125-T-C. GRCh37 (hg19) VCF-style: chr19-52693378-T-C.
Other names: short protein forms L10P.
Identifiers: ClinVar variation 4077345 (VCV004077345.1).

ClinVar aggregate classification (germline): Uncertain significance (1 of 4 stars; one submission).

Submission:

GeneDx
Classification: Uncertain significance. Last evaluated: 2025-02-27. Review status: criteria provided, single submitter. Criteria: GeneDx Variant Classification Process June 2021. Collection method: clinical testing. Allele origin: germline. Affected: yes.
Comment: Not observed at significant frequency in large population cohorts (gnomAD); In silico analysis supports that this missense variant has a deleterious effect on protein structure/function; Has not been previously published as pathogenic or benign to our knowledge